The following is an entry in ClinVar:

ClinVar aggregate classification (germline): Pathogenic/Likely pathogenic. Review status: criteria provided, multiple submitters, no conflicts (2 of 4 stars). 2 submissions from 2 submitters: Pathogenic (1); Likely pathogenic (1). Last evaluated 2022-05-06.

Conditions:
Arthrogryposis multiplex congenita 6. Identifiers: MedGen C5543431, MONDO:0030281, OMIM 619334.
Nemaline myopathy 2 (NEM2). Also called: Nemaline myopathy 2, autosomal recessive. Identifiers: MedGen C1850569, MONDO:0009725, OMIM 256030.

Submissions (2):

Labcorp Genetics (formerly Invitae), Labcorp
Classification: Pathogenic for Nemaline myopathy 2. Last evaluated: 2022-05-06. Review status: criteria provided, single submitter. Criteria: Invitae Variant Classification Sherloc (09022015). Collection method: clinical testing. Allele origin: germline.
Comment: For these reasons, this variant has been classified as Pathogenic. This variant has not been reported in the literature in individuals affected with NEB-related conditions. This variant is not present in population databases (gnomAD no frequency). This sequence change creates a premature translational stop signal (p.Lys1842Glyfs*20) in the NEB gene. It is expected to result in an absent or disrupted protein product. Loss-of-function variants in NEB are known to be pathogenic (PMID: 25205138).

Baylor Genetics
Classification: Likely pathogenic for Arthrogryposis multiplex congenita 6. Last evaluated: 2022-04-19. Review status: criteria provided, single submitter. Criteria: ACMG Guidelines, 2015. Collection method: clinical testing. Allele origin: unknown.

Literature cited by the submitters: PubMed 25205138 (cited by Labcorp Genetics (formerly Invitae), Labcorp).

NM_001164508.2(NEB):c.5523_5527del (p.Lys1842fs)

Gene: NEB (nebulin; minus strand). Cytogenetic location: 2q23.3.
Variant type: Deletion.
Coding change: c.5523_5527del on transcript NM_001164508.2 (MANE Select); coding-DNA positions 5523 to 5527, 5 bases deleted (CAAGC; older notation c.5523_5527delCAAGC).
Protein change: p.Lys1842fs; shifts the reading frame from lysine 1842.
Molecular consequence: frameshift variant.
Genome position (GRCh38, 1-based): chr2:151,663,784-151,663,788, GCTTG deleted on the plus strand (CAAGC on the coding strand, the reverse complement: NEB is on the minus strand); deleting any 5 consecutive bases within chr2:151,663,784-151,663,789 gives the same sequence; the c. name uses the placement nearest the transcript's 3' end. VCF-style (leftmost placement, unchanged base first): chr2-151663783-AGCTTG-A. GRCh37 (hg19) VCF-style: chr2-152520297-AGCTTG-A.
Other names: c.5523_5527del, p.Lys1842fs (NM_001164507.2, NM_001271208.2, NM_004543.5); c.5523_5527del (NM_001271208.1); short protein forms K1842fs.
Identifiers: ClinVar variation 1406304 (VCV001406304.7), dbSNP rs2154172729, ClinGen allele CA2573133246.